The following is an entry in ClinVar:

ClinVar aggregate classification (germline): Likely benign. Review status: criteria provided, single submitter (1 of 4 stars). 2 submissions from 2 submitters: Likely benign (1). 1 of the submissions does not count toward it. Last evaluated 2025-09-10.

Conditions:
USH2A-related disorder. Also called: USH2A-related disorders; USH2A-related condition. Identifiers: MedGen CN239332.
Retinal dystrophy. Also called: Inherited retinal dystrophy. Identifiers: Orphanet 71862, MedGen C0854723, MeSH D058499, MONDO:0019118, HP:0000556.

gnomAD v4.1: 29 of 152,200 alleles (0.019%); highest among the groups gnomAD compares: Non-Finnish European, 0.038%; no homozygotes.

Submissions (2):

PreventionGenetics, part of Exact Sciences
Classification: Likely benign for USH2A-related condition. Last evaluated: 2025-09-10. Review status: criteria provided, single submitter. Criteria: ACMG Guidelines, 2015. Collection method: clinical testing. Allele origin: germline.
Comment: This variant is classified as likely benign based on ACMG/AMP sequence variant interpretation guidelines (Richards et al. 2015 PMID: 25741868, with internal and published modifications).

Institute of Human Genetics, Univ. Regensburg, Univ. Regensburg
Classification: Uncertain significance for Retinal dystrophy. Last evaluated: 2022-01-01. Review status: no assertion criteria provided. Criteria: ACMG Guidelines, 2015. Collection method: clinical testing. Allele origin: germline. Affected: yes. Not counted in ClinVar's aggregate classification.

NM_206933.4(USH2A):c.14134-3166T>G

Gene: USH2A (usherin; minus strand). Cytogenetic location: 1q41.
Variant type: single nucleotide variant.
Coding change: c.14134-3166T>G on transcript NM_206933.4 (MANE Select); 3166 bases into the intron before coding-DNA position 14134, T replaced by G.
Molecular consequence: intron variant.
Genome position (GRCh38, 1-based): chr1:215,653,967, A>C on the plus strand (T>G on the coding strand, the complement: USH2A is on the minus strand). VCF-style: chr1-215653967-A-C. GRCh37 (hg19) VCF-style: chr1-215827309-A-C.
Other names: c.14134-3166T>G (NM_206933.2).
Identifiers: ClinVar variation 3249197 (VCV003249197.2).
Genomic context (GRCh38, chr1:215,653,967, plus strand): 5'-TTTAGCAATATGTCCCGATCTTTTAGTTGCAATGAACCCATATAAAAATCAATAAATAAA[A>C]TATCTTGTGAACAAACAGTTGTGTATTTTCTCTTTCTTTAGTGTGTGGGCTTCTCCTAGA-3'